The following is an entry in ClinVar:

ClinVar aggregate classification (germline): Conflicting classifications of pathogenicity. Review status: criteria provided, conflicting classifications (1 of 4 stars). 2 submissions from 2 submitters: Uncertain significance (1); Likely benign (1). Last evaluated 2023-06-02.

Allele frequency attached by ClinVar (database versions not stated): ExAC 0.00002; TOPMed 0.00002; 1000 Genomes Project 30x 0.00016; 1000 Genomes Project 0.00020.
gnomAD v4.1: 22 of 1,614,098 alleles (0.0014%); highest among the groups gnomAD compares: African/African-American, 0.0053%; no homozygotes.

Submissions (2):

Labcorp Genetics (formerly Invitae), Labcorp
Classification: Uncertain significance. Last evaluated: 2023-06-02. Review status: criteria provided, single submitter. Criteria: Invitae Variant Classification Sherloc (09022015). Collection method: clinical testing. Allele origin: germline.
Comment: This sequence change replaces arginine, which is basic and polar, with histidine, which is basic and polar, at codon 1427 of the FAT2 protein (p.Arg1427His). This variant is present in population databases (rs573511043, gnomAD 0.008%). This variant has not been reported in the literature in individuals affected with FAT2-related conditions. ClinVar contains an entry for this variant (Variation ID: 1901434). Algorithms developed to predict the effect of missense changes on protein structure and function output the following: SIFT: "Not Available"; PolyPhen-2: "Benign"; Align-GVGD: "Not Available". The histidine amino acid residue is found in multiple mammalian species, which suggests that this missense change does not adversely affect protein function. In summary, the available evidence is currently insufficient to determine the role of this variant in disease. Therefore, it has been classified as a Variant of Uncertain Significance.

Ambry Genetics
Classification: Likely benign. Last evaluated: 2022-01-26. Review status: criteria provided, single submitter. Criteria: Ambry Variant Classification Scheme 2023. Collection method: clinical testing. Allele origin: germline.

NM_001447.3(FAT2):c.4280G>A (p.Arg1427His)

Genes: FAT2 (FAT atypical cadherin 2; minus strand), SLC36A1 (solute carrier family 36 member 1; plus strand). Cytogenetic location: 5q33.1.
Variant type: single nucleotide variant.
Coding change: c.4280G>A on transcript NM_001447.3 (MANE Select); coding-DNA position 4280, G replaced by A.
Protein change: p.Arg1427His; replaces arginine 1427 with histidine.
Molecular consequence: missense variant.
Genome position (GRCh38, 1-based): chr5:151,551,483, C>T on the plus strand (G>A on the coding strand, the complement: FAT2 is on the minus strand). VCF-style: chr5-151551483-C-T. GRCh37 (hg19) VCF-style: chr5-150931044-C-T.
Other names: short protein forms R1427H.
Identifiers: ClinVar variation 1901434 (VCV001901434.6), dbSNP rs573511043, ClinGen allele CA3521595.
Genomic context (GRCh38, chr5:151,551,483, plus strand): 5'-TCCATCTCCTCTCAATACAGGGGTCCCCAGCCGAGGCCTCTAACCTGTGTGGCAATGGTG[C>T]GGGACCCATCTGTCACCTCAACAGTCAAGTTATAGTTCGACCTTCTCCTGGTATCAAGAG-3'
Protein context (NP_001438.1, residues 1417-1437): NLTVEVTDGS[Arg1427His]TIATQVHIFM